The following is an entry in ClinVar:

ClinVar aggregate classification (germline): Uncertain significance (1 of 4 stars; one submission).

Submission:

Greenwood Genetic Center Diagnostic Laboratories, Greenwood Genetic Center
Classification: Uncertain significance. Last evaluated: 2024-08-15. Review status: criteria provided, single submitter. Criteria: ACMG Guidelines, 2015. Collection method: clinical testing. Allele origin: germline. Affected: yes.
Comment: Gene of Uncertain Significance

NM_001111067.4(ACVR1):c.856del (p.His286fs)

Gene: ACVR1 (activin A receptor type 1; minus strand). Cytogenetic location: 2q24.1.
Variant type: Deletion.
Coding change: c.856del on transcript NM_001111067.4 (MANE Select); coding-DNA position 856, one base deleted (C; older notation c.856delC).
Protein change: p.His286fs; shifts the reading frame from histidine 286.
Molecular consequence: frameshift variant.
Genome position (GRCh38, 1-based): chr2:157,766,131, G deleted on the plus strand (C on the coding strand, the reverse complement: ACVR1 is on the minus strand). VCF-style (leftmost placement, unchanged base first): chr2-157766130-TG-T. GRCh37 (hg19) VCF-style: chr2-158622642-TG-T.
Other names: c.856del, p.His286fs (NM_001105.5, NM_001347663.1, NM_001347664.1 and 3 more transcripts); short protein forms H286fs.
Identifiers: ClinVar variation 3765589 (VCV003765589.1).